The following is an entry in ClinVar:

NM_001374353.1(GLI2):c.597C>T (p.Gly199=)

Gene: GLI2 (GLI family zinc finger 2; plus strand). Cytogenetic location: 2q14.2.
Variant type: single nucleotide variant.
Coding change: c.597C>T on transcript NM_001374353.1 (MANE Select); coding-DNA position 597, C replaced by T.
Protein change: p.Gly199=; no amino-acid change (glycine 199 retained).
Molecular consequence: synonymous variant.
Genome position (GRCh38, 1-based): chr2:120,955,384, C>T. VCF-style: chr2-120955384-C-T. GRCh37 (hg19) VCF-style: chr2-121712960-C-T.
Other names: c.597C>T, p.Gly199= (NM_001371271.1, NM_005270.5); c.222C>T, p.Gly74= (NM_001374354.1).
Identifiers: ClinVar variation 3057644 (VCV003057644.7), dbSNP rs149502176, ClinGen allele CA1851584.

ClinVar aggregate classification (germline): Likely benign. Review status: criteria provided, multiple submitters, no conflicts (2 of 4 stars). 4 submissions from 4 submitters: Likely benign (3). 1 of the submissions does not count toward it. Last evaluated 2026-06-01.

Conditions:
GLI2-related disorder. Also called: GLI2-related disorders; GLI2-related condition.

Allele frequency attached by ClinVar (database versions not stated): 1000 Genomes Project 30x 0.00016; 1000 Genomes Project 0.00020.
gnomAD v4.1: 81 of 1,612,160 alleles (0.005%); highest among the groups gnomAD compares: East Asian, 0.083%; no homozygotes.

Submissions (4):

CeGaT Center for Human Genetics Tuebingen
Classification: Likely benign. Last evaluated: 2026-06-01. Review status: criteria provided, single submitter. Criteria: CeGaT Center For Human Genetics Tuebingen Variant Classification Criteria Version 2. Collection method: clinical testing. Allele origin: germline. Affected: yes. Observed: 1 variant allele.
Comment: GLI2: BP4, BP7

Women's Health and Genetics/Laboratory Corporation of America, LabCorp
Classification: Likely benign. Last evaluated: 2025-04-02. Review status: criteria provided, single submitter. Criteria: LabCorp Variant Classification Summary - May 2015. Collection method: clinical testing. Allele origin: germline.
Comment: Variant summary: GLI2 c.597C>T alters a conserved nucleotide resulting in a synonymous change. Consensus agreement among computation tools predict no significant impact on normal splicing. However, these predictions have yet to be confirmed by functional studies. The variant allele was found at a frequency of 5.6e-05 in 248090 control chromosomes. This frequency is not significantly higher than estimated for a pathogenic variant in GLI2 causing GLI2-Related Disorders, allowing no conclusion about variant significance. To our knowledge, no occurrence of c.597C>T in individuals affected with GLI2-Related Disorders and no experimental evidence demonstrating its impact on protein function have been reported. ClinVar contains an entry for this variant (Variation ID: 3057644). Based on the evidence outlined above, the variant was classified as likely benign.

Blueprint Genetics
Classification: Likely benign. Last evaluated: 2024-10-16. Review status: criteria provided, single submitter. Criteria: ACMG Guidelines, 2015. Collection method: clinical testing. Allele origin: germline.

PreventionGenetics, part of Exact Sciences
Classification: Likely benign for GLI2-related condition. Last evaluated: 2019-02-21. Review status: no assertion criteria provided. Collection method: clinical testing. Allele origin: germline. Not counted in ClinVar's aggregate classification.
Comment: This variant is classified as likely benign based on ACMG/AMP sequence variant interpretation guidelines (Richards et al. 2015 PMID: 25741868, with internal and published modifications).